The following is an entry in ClinVar:

ClinVar aggregate classification (germline): Conflicting classifications of pathogenicity. Review status: criteria provided, conflicting classifications (1 of 4 stars). 2 submissions from 2 submitters: Likely pathogenic (1); Uncertain significance (1). Last evaluated 2019-10-29.

Conditions:
MYH7-related disorder. Also called: MYH7-related condition; MYH7-related disease; MYH7-related disorders.
Hypertrophic cardiomyopathy. Also called: HYPERTROPHIC MYOCARDIOPATHY. Identifiers: Orphanet 217569, MedGen C0007194, MeSH D002312, MONDO:0005045, HP:0001639.

Submissions (2):

Blueprint Genetics
Classification: Likely pathogenic for MYH7-related disorders. Last evaluated: 2019-10-29. Review status: criteria provided, single submitter. Criteria: ACMG Guidelines, 2015. Collection method: clinical testing. Allele origin: germline. Affected: yes. Observed: 1 variant allele.

Labcorp Genetics (formerly Invitae), Labcorp
Classification: Uncertain significance for Hypertrophic cardiomyopathy. Last evaluated: 2014-10-02. Review status: criteria provided, single submitter. Criteria: Invitae Variant Classification Sherloc (09022015). Collection method: clinical testing. Allele origin: germline.
Comment: A computational algorithm designed to assess the pathogenicity of variants in MYH7 with regard to hypertrophic cardiomyopathy predicted this sequence change to be deleterious. The algorithm has a sensitivity of 94% and a specificity of 89% (PMID: 21310275). In summary, this is a novel missense change with uncertain impact on protein function. In the absence of any functional or segregation evidence, it has been classified as a Variant of Uncertain Significance. This sequence change has not been published in the literature and is not present in population databases. This sequence change replaces lysine with methionine at codon 912 of the MYH7 protein (p.Lys912Met). The lysine residue is highly conserved and there is a moderate physicochemical difference between lysine and methionine.

Literature cited by the submitters: PubMed 21310275 (cited by Labcorp Genetics (formerly Invitae), Labcorp).

NM_000257.4(MYH7):c.2735A>T (p.Lys912Met)

Gene: MYH7 (myosin heavy chain 7; minus strand). Cytogenetic location: 14q11.2.
Variant type: single nucleotide variant.
Coding change: c.2735A>T on transcript NM_000257.4 (MANE Select); coding-DNA position 2735, A replaced by T.
Protein change: p.Lys912Met; replaces lysine 912 with methionine.
Molecular consequence: missense variant.
Genome position (GRCh38, 1-based): chr14:23,424,094, T>A on the plus strand (A>T on the coding strand, the complement: MYH7 is on the minus strand). VCF-style: chr14-23424094-T-A. GRCh37 (hg19) VCF-style: chr14-23893303-T-A.
Other names: c.2735A>T (LRG_384t1); short protein forms K912M.
Identifiers: ClinVar variation 188124 (VCV000188124.9), dbSNP rs786204087, ClinGen allele CA012988.
Genomic context (GRCh38, chr14:23,424,094, plus strand): 5'-ATCTCCTCCTCATCCTCCAGCCTCTCGTTCATCTCCTTCACCTTGGCCTCCAGCTGAATC[T>A]TGTTTTTGATCAGCTGATCACAGCGCTCCTCAGCATCTGCCAGGTTGTCTTGTTCCTGAA-3'
Protein context (NP_000248.2, residues 902-922): EERCDQLIKN[Lys912Met]IQLEAKVKEM